The following is an entry in ClinVar:

NM_015338.6(ASXL1):c.3020G>T (p.Gly1007Val)

Gene: ASXL1 (ASXL transcriptional regulator 1; plus strand). Cytogenetic location: 20q11.21.
Variant type: single nucleotide variant.
Coding change: c.3020G>T on transcript NM_015338.6 (MANE Select); coding-DNA position 3020, G replaced by T.
Protein change: p.Gly1007Val; replaces glycine 1007 with valine.
Molecular consequence: missense variant.
Genome position (GRCh38, 1-based): chr20:32,435,732, G>T. VCF-style: chr20-32435732-G-T. GRCh37 (hg19) VCF-style: chr20-31023535-G-T.
Other names: c.2837G>T, p.Gly946Val (NM_001363734.1); short protein forms G1007V, G946V.
Identifiers: ClinVar variation 3793594 (VCV003793594.1).

ClinVar aggregate classification (germline): Uncertain significance (1 of 4 stars; one submission).

Conditions:
Inborn genetic diseases. Identifiers: MedGen C0950123, MeSH D030342.

Submission:

Ambry Genetics
Classification: Uncertain significance for Inborn genetic diseases. Last evaluated: 2025-02-16. Review status: criteria provided, single submitter. Criteria: Ambry Variant Classification Scheme 2023. Collection method: clinical testing. Allele origin: germline.
Comment: The p.G1007V variant (also known as c.3020G>T), located in coding exon 13 of the ASXL1 gene, results from a G to T substitution at nucleotide position 3020. The glycine at codon 1007 is replaced by valine, an amino acid with dissimilar properties. This amino acid position is conserved. In addition, the in silico prediction for this alteration is inconclusive. Based on the available evidence, the clinical significance of this variant remains unclear.